The following is an entry in ClinVar:

NC_000017.10:g.(?_10424597)_(10451237_?)del

Gene: MYH2 (myosin heavy chain 2; minus strand). Cytogenetic location: 17p13.1.
Variant type: Deletion.
Identifiers: ClinVar variation 1459021 (VCV001459021.8).

ClinVar aggregate classification (germline): Pathogenic (1 of 4 stars; one submission).

Conditions:
Myopathy, proximal, and ophthalmoplegia (CMYO6). Also called: MYOPATHY WITH CONGENITAL JOINT CONTRACTURES, OPHTHALMOPLEGIA, AND RIMMED VACUOLES; INCLUSION BODY MYOPATHY 3, AUTOSOMAL DOMINANT; CONGENITAL MYOPATHY 6 WITH OPHTHALMOPLEGIA. Identifiers: Orphanet 363677, Orphanet 79091, MedGen C1854106, MONDO:0011577, OMIM 605637.

Submission:

Labcorp Genetics (formerly Invitae), Labcorp
Classification: Pathogenic for Myopathy, proximal, and ophthalmoplegia. Last evaluated: 2021-07-05. Review status: criteria provided, single submitter. Criteria: Invitae Variant Classification Sherloc (09022015). Collection method: clinical testing. Allele origin: germline.
Comment: This variant has not been reported in the literature in individuals with MYH2-related conditions. A gross deletion of the genomic region encompassing the full coding sequence of the MYH2 gene has been identified. The boundaries of this event are unknown as the deletion extends beyond the assayed region for this gene and therefore may encompass additional genes. Loss-of-function variants in MYH2 are known to be pathogenic (PMID: 20418530, 23388406, 24193343). For these reasons, this variant has been classified as Pathogenic.

Literature cited by the submitters: PubMed 20418530; PubMed 23388406; PubMed 24193343.